The following is an entry in ClinVar:

NM_001134407.3(GRIN2A):c.2887C>G (p.Leu963Val)

Gene: GRIN2A (glutamate ionotropic receptor NMDA type subunit 2A; minus strand). Cytogenetic location: 16p13.2.
Variant type: single nucleotide variant.
Coding change: c.2887C>G on transcript NM_001134407.3 (MANE Select); coding-DNA position 2887, C replaced by G.
Protein change: p.Leu963Val; replaces leucine 963 with valine.
Molecular consequence: missense variant.
Genome position (GRCh38, 1-based): chr16:9,764,657, G>C on the plus strand (C>G on the coding strand, the complement: GRIN2A is on the minus strand). VCF-style: chr16-9764657-G-C. GRCh37 (hg19) VCF-style: chr16-9858514-G-C.
Other names: c.2887C>G, p.Leu963Val (NM_000833.5, NM_001134408.2); short protein forms L963V.
Identifiers: ClinVar variation 3672728 (VCV003672728.2).

ClinVar aggregate classification (germline): Uncertain significance (1 of 4 stars; one submission).

Conditions:
Landau-Kleffner syndrome (FESD). Also called: EPILEPSY, FOCAL, WITH SPEECH DISORDER AND WITH OR WITHOUT MENTAL RETARDATION; APHASIA, ACQUIRED, WITH EPILEPSY. Identifiers: Orphanet 1945, Orphanet 725, Orphanet 98818, MedGen C0282512, MONDO:0009509, OMIM 245570.

Submission:

Labcorp Genetics (formerly Invitae), Labcorp
Classification: Uncertain significance for Landau-Kleffner syndrome. Last evaluated: 2025-01-28. Review status: criteria provided, single submitter. Criteria: Invitae Variant Classification Sherloc (09022015). Collection method: clinical testing. Allele origin: germline.
Comment: This sequence change replaces leucine, which is neutral and non-polar, with valine, which is neutral and non-polar, at codon 963 of the GRIN2A protein (p.Leu963Val). This variant is not present in population databases (gnomAD no frequency). This variant has not been reported in the literature in individuals affected with GRIN2A-related conditions. Invitae Evidence Modeling of protein sequence and biophysical properties (such as structural, functional, and spatial information, amino acid conservation, physicochemical variation, residue mobility, and thermodynamic stability) indicates that this missense variant is not expected to disrupt GRIN2A protein function with a negative predictive value of 95%. In summary, the available evidence is currently insufficient to determine the role of this variant in disease. Therefore, it has been classified as a Variant of Uncertain Significance.